The following is an entry in ClinVar:

ClinVar aggregate classification (germline): Likely pathogenic (1 of 4 stars; one submission).

Conditions:
Mitochondrial trifunctional protein deficiency. Identifiers: Orphanet 746, MedGen C1969443, MONDO:0012172.

Allele frequency attached by ClinVar (database versions not stated): gnomAD exomes below 0.00001; ExAC 0.00001.

Submission:

Labcorp Genetics (formerly Invitae), Labcorp
Classification: Likely pathogenic for Mitochondrial trifunctional protein deficiency. Last evaluated: 2023-08-25. Review status: criteria provided, single submitter. Criteria: Invitae Variant Classification Sherloc (09022015). Collection method: clinical testing. Allele origin: germline.
Comment: This variant has not been reported in the literature in individuals affected with HADHB-related conditions. This sequence change affects a donor splice site in intron 13 of the HADHB gene. It is expected to disrupt RNA splicing. Variants that disrupt the donor or acceptor splice site typically lead to a loss of protein function (PMID: 16199547), and loss-of-function variants in HADHB are known to be pathogenic (PMID: 9259266, 12754706). This variant is present in population databases (rs775790636, gnomAD 0.003%). Algorithms developed to predict the effect of sequence changes on RNA splicing suggest that this variant may disrupt the consensus splice site. In summary, the currently available evidence indicates that the variant is pathogenic, but additional data are needed to prove that conclusively. Therefore, this variant has been classified as Likely Pathogenic.

Literature cited by the submitters: PubMed 16199547; PubMed 9259266; PubMed 12754706.

NM_000183.3(HADHB):c.1149+1G>T

Gene: HADHB (hydroxyacyl-CoA dehydrogenase trifunctional multienzyme complex subunit beta; plus strand). Cytogenetic location: 2p23.3.
Variant type: single nucleotide variant.
Coding change: c.1149+1G>T on transcript NM_000183.3 (MANE Select); the canonical splice donor site of the intron after coding-DNA position 1149, G replaced by T.
Molecular consequence: splice donor variant.
Genome position (GRCh38, 1-based): chr2:26,284,205, G>T. VCF-style: chr2-26284205-G-T. GRCh37 (hg19) VCF-style: chr2-26507073-G-T.
Other names: c.1083+1G>T (NM_001281513.2); c.1104+1G>T (NM_001281512.2).
Identifiers: ClinVar variation 2793947 (VCV002793947.3), dbSNP rs775790636, ClinGen allele CA1560458.